The following is an entry in ClinVar:

ClinVar aggregate classification (germline): Conflicting classifications of pathogenicity. Review status: criteria provided, conflicting classifications (1 of 4 stars). 4 submissions from 4 submitters: Likely pathogenic (1); Uncertain significance (3). Last evaluated 2025-02-24.

Conditions:
Hereditary spastic paraplegia 11. Also called: Nakamura Osame syndrome; Autosomal recessive hereditary spastic paraplegia, mental impairment, and thin corpus callosum; Spastic paraplegia, mental retardation and thin corpus callosum; SPASTIC PARAPLEGIA, AUTOSOMAL RECESSIVE, COMPLICATED, WITH THIN CORPUS CALLOSUM; SPASTIC PARAPLEGIA, AUTOSOMAL RECESSIVE, WITH MENTAL IMPAIRMENT AND THIN CORPUS CALLOSUM; Spastic Paraplegia 11. Identifiers: Orphanet 2822, MedGen C1858479, MONDO:0011445, OMIM 604360.
Inborn genetic diseases. Identifiers: MedGen C0950123, MeSH D030342.

Allele frequency attached by ClinVar (database versions not stated): ExAC 0.00001; gnomAD exomes 0.00001; TOPMed 0.00002.
gnomAD v4.1: 8 of 1,613,816 alleles (0.0005%); highest among the groups gnomAD compares: Non-Finnish European, 0.00059%; no homozygotes.

Submissions (4):

Mayo Clinic Laboratories, Mayo Clinic
Classification: Likely pathogenic. Last evaluated: 2025-02-24. Review status: criteria provided, single submitter. Criteria: ACMG Guidelines, 2015. Collection method: clinical testing. Allele origin: germline. Observed: 1 variant allele.
Comment: PP3_moderate, PM2_supporting, PM3_supporting, PS1_moderate

Women's Health and Genetics/Laboratory Corporation of America, LabCorp
Classification: Uncertain significance. Last evaluated: 2023-07-05. Review status: criteria provided, single submitter. Criteria: LabCorp Variant Classification Summary - May 2015. Collection method: clinical testing. Allele origin: germline.
Comment: Variant summary: SPG11 c.3291+3A>G alters a conserved nucleotide located close to a canonical splice site and therefore could affect mRNA splicing, leading to a significantly altered protein sequence. Several computational tools predict a significant impact on normal splicing: Two predict the variant weakens a 5' donor site and one predicts the variant has no significant impact on splicing. However, these predictions have yet to be confirmed by functional studies. The variant allele was found at a frequency of 1.2e-05 in 251400 control chromosomes (gnomAD). The available data on variant occurrences in the general population are insufficient to allow any conclusion about variant significance. c.3291+3A>G has been reported in the literature as a compound heterozygous genotype in an individual affected with Hereditary Spastic Paraplegia (Risi_2021). These data do not allow any conclusion about variant significance. To our knowledge, no experimental evidence demonstrating an impact on protein function has been reported. The following publication has been ascertained in the context of this evaluation (PMID: 33669240). Two submitters have cited clinical-significance assessments for this variant to ClinVar after 2014 and both classified the variant as uncertain significance. Based on the evidence outlined above, the variant was classified as uncertain significance.

Labcorp Genetics (formerly Invitae), Labcorp
Classification: Uncertain significance for Hereditary spastic paraplegia 11. Last evaluated: 2022-08-19. Review status: criteria provided, single submitter. Criteria: Invitae Variant Classification Sherloc (09022015). Collection method: clinical testing. Allele origin: germline.
Comment: This sequence change falls in intron 18 of the SPG11 gene. It does not directly change the encoded amino acid sequence of the SPG11 protein. It affects a nucleotide within the consensus splice site. This variant is present in population databases (rs773192977, gnomAD 0.003%). This variant has been observed in individual(s) with hereditary spastic paraplegia (PMID: 33669240). ClinVar contains an entry for this variant (Variation ID: 956464). Variants that disrupt the consensus splice site are a relatively common cause of aberrant splicing (PMID: 17576681, 9536098). Algorithms developed to predict the effect of sequence changes on RNA splicing suggest that this variant may disrupt the consensus splice site. In summary, the available evidence is currently insufficient to determine the role of this variant in disease. Therefore, it has been classified as a Variant of Uncertain Significance.

Ambry Genetics
Classification: Uncertain significance for Inborn genetic diseases. Last evaluated: 2021-12-22. Review status: criteria provided, single submitter. Criteria: Ambry Variant Classification Scheme 2023. Collection method: clinical testing. Allele origin: germline.
Comment: The c.3291+3A>G intronic variant results from an A to G substitution 3 nucleotides after coding exon 18 in the SPG11 gene. This nucleotide position is well conserved in available vertebrate species. In silico splice site analysis predicts that this alteration will weaken the native splice donor site. Since supporting evidence is limited at this time, the clinical significance of this alteration remains unclear.

Literature cited by the submitters: PubMed 33669240 (cited by 3 submitters); PubMed 17576681 (cited by Labcorp Genetics (formerly Invitae), Labcorp); PubMed 9536098 (cited by Labcorp Genetics (formerly Invitae), Labcorp).

NM_025137.4(SPG11):c.3291+3A>G

Gene: SPG11 (SPG11 vesicle trafficking associated, spatacsin; minus strand). Cytogenetic location: 15q21.1.
Variant type: single nucleotide variant.
Coding change: c.3291+3A>G on transcript NM_025137.4 (MANE Select); 3 bases into the intron after coding-DNA position 3291, A replaced by G.
Molecular consequence: intron variant.
Genome position (GRCh38, 1-based): chr15:44,610,837, T>C on the plus strand (A>G on the coding strand, the complement: SPG11 is on the minus strand). VCF-style: chr15-44610837-T-C. GRCh37 (hg19) VCF-style: chr15-44903035-T-C.
Other names: p.?; c.3291+3A>G (NM_001160227.2).
Identifiers: ClinVar variation 956464 (VCV000956464.8), dbSNP rs773192977, ClinGen allele CA7535020.